The following is an entry in ClinVar:

NM_153240.5(NPHP3):c.3226C>T (p.Arg1076Trp)

Genes: NPHP3 (nephrocystin 3; minus strand), NPHP3-ACAD11 (NPHP3-ACAD11 readthrough (NMD candidate); minus strand). Cytogenetic location: 3q22.1.
Variant type: single nucleotide variant.
Coding change: c.3226C>T on transcript NM_153240.5 (MANE Select); coding-DNA position 3226, C replaced by T.
Protein change: p.Arg1076Trp; replaces arginine 1076 with tryptophan.
Molecular consequence: missense variant. On other transcripts: non-coding transcript variant (1).
Genome position (GRCh38, 1-based): chr3:132,686,363, G>A on the plus strand (C>T on the coding strand, the complement: NPHP3 is on the minus strand). VCF-style: chr3-132686363-G-A. GRCh37 (hg19) VCF-style: chr3-132405207-G-A.
Other names: short protein forms R1076W.
Identifiers: ClinVar variation 577594 (VCV000577594.18), dbSNP rs553665584, ClinGen allele CA2621795.

ClinVar aggregate classification (germline): Conflicting classifications of pathogenicity. Review status: criteria provided, conflicting classifications (1 of 4 stars). 5 submissions from 5 submitters: Uncertain significance (2); Likely benign (2). 1 of the submissions does not count toward it. Last evaluated 2026-02-04.

Conditions:
Nephronophthisis. Also called: Juvenile Nephronophthisis. Identifiers: Orphanet 655, MedGen C0687120, MONDO:0019005, HP:0000090.
NPHP3-related disorder. Also called: NPHP3-related disorders; NPHP3-related condition. Identifiers: MedGen CN379163.

Allele frequency attached by ClinVar (database versions not stated): 1000 Genomes Project 0.00020; ExAC 0.00031; gnomAD exomes 0.00032 and 0.00017; gnomAD 0.00001 and 0.00012; TOPMed 0.00003; 1000 Genomes Project 30x 0.00016.
gnomAD v4.1: 267 of 1,613,990 alleles (0.017%); highest among the groups gnomAD compares: South Asian, 0.26%; 2 homozygotes.

Submissions (5):

Labcorp Genetics (formerly Invitae), Labcorp
Classification: Likely benign for Nephronophthisis. Last evaluated: 2026-02-04. Review status: criteria provided, single submitter. Criteria: Invitae Variant Classification Sherloc (09022015). Collection method: clinical testing. Allele origin: germline.

Blueprint Genetics
Classification: Likely benign. Last evaluated: 2024-10-18. Review status: criteria provided, single submitter. Criteria: ACMG Guidelines, 2015. Collection method: clinical testing. Allele origin: germline.

GeneDx
Classification: Uncertain significance. Last evaluated: 2019-03-13. Review status: criteria provided, single submitter. Criteria: GeneDx Variant Classification Process June 2021. Collection method: clinical testing. Allele origin: germline. Affected: yes.
Comment: In silico analysis, which includes protein predictors and evolutionary conservation, supports a deleterious effect; Has not been previously published as pathogenic or benign to our knowledge

Eurofins Ntd Llc (ga)
Classification: Uncertain significance. Last evaluated: 2018-03-13. Review status: criteria provided, single submitter. Criteria: EGL ClinVar v180209 classification definitions. Collection method: clinical testing. Allele origin: germline. Observed: 1 variant allele, 1 heterozygote.

PreventionGenetics, part of Exact Sciences
Classification: Likely benign for NPHP3-related condition. Last evaluated: 2024-04-26. Review status: no assertion criteria provided. Collection method: clinical testing. Allele origin: germline. Not counted in ClinVar's aggregate classification.
Comment: This variant is classified as likely benign based on ACMG/AMP sequence variant interpretation guidelines (Richards et al. 2015 PMID: 25741868, with internal and published modifications).